The following is an entry in ClinVar:

ClinVar aggregate classification (germline): Uncertain significance (1 of 4 stars; one submission).

Conditions:
Familial cancer of breast. Also called: hereditary breast carcinoma; Hereditary breast cancer; BREAST CANCER, FAMILIAL. Identifiers: Orphanet 227535, MedGen C0346153, MONDO:0016419, OMIM 114480. Disease mechanism: loss of function.

Submission:

Labcorp Genetics (formerly Invitae), Labcorp
Classification: Uncertain significance for Familial cancer of breast. Last evaluated: 2019-03-16. Review status: criteria provided, single submitter. Criteria: Invitae Variant Classification Sherloc (09022015). Collection method: clinical testing. Allele origin: germline.
Comment: In summary, the available evidence is currently insufficient to determine the role of this variant in disease. Therefore, it has been classified as a Variant of Uncertain Significance. Algorithms developed to predict the effect of sequence changes on RNA splicing suggest that this variant may create or strengthen a splice site, but this prediction has not been confirmed by published transcriptional studies. Algorithms developed to predict the effect of missense changes on protein structure and function are either unavailable or do not agree on the potential impact of this missense change (SIFT: "Deleterious"; PolyPhen-2: "Probably Damaging"; Align-GVGD: "Class C0"). This variant has not been reported in the literature in individuals with CHEK2-related conditions. This variant is not present in population databases (ExAC no frequency). This sequence change replaces valine with glycine at codon 270 of the CHEK2 protein (p.Val270Gly). The valine residue is moderately conserved and there is a moderate physicochemical difference between valine and glycine.

NM_007194.4(CHEK2):c.809T>G (p.Val270Gly)

Gene: CHEK2 (checkpoint kinase 2; minus strand). Cytogenetic location: 22q12.1.
Variant type: single nucleotide variant.
Coding change: c.809T>G on transcript NM_007194.4 (MANE Select); coding-DNA position 809, T replaced by G.
Protein change: p.Val270Gly; replaces valine 270 with glycine.
Molecular consequence: missense variant.
Genome position (GRCh38, 1-based): chr22:28,710,043, A>C on the plus strand (T>G on the coding strand, the complement: CHEK2 is on the minus strand). VCF-style: chr22-28710043-A-C. GRCh37 (hg19) VCF-style: chr22-29106031-A-C.
Other names: c.938T>G, p.Val313Gly (NM_001005735.3); c.146T>G, p.Val49Gly (NM_001257387.3); c.608T>G, p.Val203Gly (NM_001349956.3); c.809T>G, p.Val270Gly (NM_145862.3); short protein forms V203G, V49G, V313G, V270G.
Identifiers: ClinVar variation 861952 (VCV000861952.10), dbSNP rs876660258, ClinGen allele CA411102457.